The following is an entry in ClinVar:

NM_032444.4(SLX4):c.5177C>T (p.Ala1726Val)

Gene: SLX4 (SLX4 structure-specific endonuclease subunit; minus strand). Cytogenetic location: 16p13.3.
Variant type: single nucleotide variant.
Coding change: c.5177C>T on transcript NM_032444.4 (MANE Select); coding-DNA position 5177, C replaced by T.
Protein change: p.Ala1726Val; replaces alanine 1726 with valine.
Molecular consequence: missense variant.
Genome position (GRCh38, 1-based): chr16:3,582,670, G>A on the plus strand (C>T on the coding strand, the complement: SLX4 is on the minus strand). VCF-style: chr16-3582670-G-A. GRCh37 (hg19) VCF-style: chr16-3632671-G-A.
Other names: short protein forms A1726V.
Identifiers: ClinVar variation 843315 (VCV000843315.13), dbSNP rs752633436, ClinGen allele CA7865384.

ClinVar aggregate classification (germline): Conflicting classifications of pathogenicity. Review status: criteria provided, conflicting classifications (1 of 4 stars). 5 submissions from 5 submitters: Uncertain significance (4); Likely benign (1). Last evaluated 2025-01-25.

Conditions:
Fanconi anemia (FA). Also called: Fanconi's anemia. Identifiers: Orphanet 84, MedGen C0015625, MeSH D005199, MONDO:0019391.
Fanconi anemia complementation group P. Also called: SLX4-Related Fanconi Anemia. Identifiers: Orphanet 84, MedGen C3469542, MONDO:0013499, OMIM 613951.

Allele frequency attached by ClinVar (database versions not stated): gnomAD 0.00003 and 0.00004; gnomAD exomes 0.00004 and 0.00006; TOPMed 0.00006; ExAC 0.00008.
gnomAD v4.1: 62 of 1,612,682 alleles (0.0038%); highest among the groups gnomAD compares: East Asian, 0.11%; no homozygotes.

Submissions (5):

Labcorp Genetics (formerly Invitae), Labcorp
Classification: Uncertain significance for Fanconi anemia. Last evaluated: 2025-01-25. Review status: criteria provided, single submitter. Criteria: Invitae Variant Classification Sherloc (09022015). Collection method: clinical testing. Allele origin: germline.
Comment: This sequence change replaces alanine, which is neutral and non-polar, with valine, which is neutral and non-polar, at codon 1726 of the SLX4 protein (p.Ala1726Val). This variant is present in population databases (rs752633436, gnomAD 0.07%). This variant has not been reported in the literature in individuals affected with SLX4-related conditions. ClinVar contains an entry for this variant (Variation ID: 843315). An algorithm developed to predict the effect of missense changes on protein structure and function outputs the following: PolyPhen-2: "Benign". The valine amino acid residue is found in multiple mammalian species, which suggests that this missense change does not adversely affect protein function. In summary, the available evidence is currently insufficient to determine the role of this variant in disease. Therefore, it has been classified as a Variant of Uncertain Significance.

Fulgent Genetics
Classification: Uncertain significance for Fanconi anemia complementation group P. Last evaluated: 2024-04-18. Review status: criteria provided, single submitter. Criteria: ACMG Guidelines, 2015. Collection method: clinical testing. Allele origin: germline.

Blueprint Genetics
Classification: Likely benign. Last evaluated: 2022-12-28. Review status: criteria provided, single submitter. Criteria: ACMG Guidelines, 2015. Collection method: clinical testing. Allele origin: germline.

New York Genome Center
Classification: Uncertain significance for Fanconi anemia complementation group P. Last evaluated: 2021-10-07. Review status: criteria provided, single submitter. Criteria: NYGC Assertion Criteria 2020. Collection method: clinical testing. Allele origin: inherited. Observed: 1 variant allele. Study: CSER-NYCKidSeq.

Illumina Laboratory Services, Illumina
Classification: Uncertain significance for Fanconi anemia complementation group P. Last evaluated: 2018-01-12. Review status: criteria provided, single submitter. Criteria: ICSL Variant Classification Criteria 13 December 2019. Collection method: clinical testing. Allele origin: germline.